The following is an entry in ClinVar:

NM_002485.5(NBN):c.1662T>G (p.Asp554Glu)

Gene: NBN (nibrin; minus strand). Cytogenetic location: 8q21.3.
Variant type: single nucleotide variant.
Coding change: c.1662T>G on transcript NM_002485.5 (MANE Select); coding-DNA position 1662, T replaced by G.
Protein change: p.Asp554Glu; replaces aspartic acid 554 with glutamic acid.
Molecular consequence: missense variant.
Genome position (GRCh38, 1-based): chr8:89,953,427, A>C on the plus strand (T>G on the coding strand, the complement: NBN is on the minus strand). VCF-style: chr8-89953427-A-C. GRCh37 (hg19) VCF-style: chr8-90965655-A-C.
Other names: c.1416T>G, p.Asp472Glu (NM_001440380.1, NM_001024688.3, NM_001440379.1); short protein forms D554E, D472E.
Identifiers: ClinVar variation 4754516 (VCV004754516.1).
Genomic context (GRCh38, chr8:89,953,427, plus strand): 5'-TAACTCTGGTTTTGTGTCCTTGAATAACTGTTCCAATACTTCATCTTCTATGGCCACATC[A>C]TCCATTTCCCTTTTTTTATTTGATCTTAGCTTTTCTGCAGCATGAGATTTACTGGCAGAA-3'
Protein context (NP_002476.2, residues 544-564): KLRSNKKREM[Asp554Glu]DVAIEDEVLE

ClinVar aggregate classification (germline): Uncertain significance (1 of 4 stars; one submission).

Conditions:
Microcephaly, normal intelligence and immunodeficiency (NBS). Also called: Nijmegen breakage syndrome; Microcephaly with normal intelligence immunodeficiency and lymphoreticular malignancies; Nonsyndromal microcephaly autosomal recessive with normal intelligence; Seemanova syndrome 2; BERLIN BREAKAGE SYNDROME; Immunodeficiency, microcephaly with normal intelligence. Identifiers: Orphanet 647, MedGen C0398791, MONDO:0009623, OMIM 251260.

Submission:

Labcorp Genetics (formerly Invitae), Labcorp
Classification: Uncertain significance for Microcephaly, normal intelligence and immunodeficiency. Last evaluated: 2025-12-12. Review status: criteria provided, single submitter. Criteria: Invitae Variant Classification Sherloc (09022015). Collection method: clinical testing. Allele origin: germline.
Comment: This sequence change replaces aspartic acid, which is acidic and polar, with glutamic acid, which is acidic and polar, at codon 554 of the NBN protein (p.Asp554Glu). This variant is not present in population databases (gnomAD no frequency). This variant has not been reported in the literature in individuals affected with NBN-related conditions. An algorithm developed to predict the effect of missense changes on protein structure and function (PolyPhen-2) suggests that this variant is likely to be tolerated. In summary, the available evidence is currently insufficient to determine the role of this variant in disease. Therefore, it has been classified as a Variant of Uncertain Significance.